The following is an entry in ClinVar:

ClinVar aggregate classification (germline): Uncertain significance. Review status: criteria provided, multiple submitters, no conflicts (2 of 4 stars). 2 submissions from 2 submitters: Uncertain significance (2). Last evaluated 2026-01-31.

Allele frequency attached by ClinVar (database versions not stated): gnomAD 0.00001; TOPMed 0.00003; ExAC 0.00005; gnomAD exomes 0.00008.
gnomAD v4.1: 23 of 1,613,978 alleles (0.0014%); highest among the groups gnomAD compares: Admixed American, 0.038%; no homozygotes.

Submissions (2):

Labcorp Genetics (formerly Invitae), Labcorp
Classification: Uncertain significance. Last evaluated: 2026-01-31. Review status: criteria provided, single submitter. Criteria: Invitae Variant Classification Sherloc (09022015). Collection method: clinical testing. Allele origin: germline.
Comment: This sequence change replaces alanine, which is neutral and non-polar, with threonine, which is neutral and polar, at codon 1148 of the TAOK2 protein (p.Ala1148Thr). This variant is present in population databases (rs781049167, gnomAD 0.06%), and has an allele count higher than expected for a pathogenic variant. This variant has not been reported in the literature in individuals affected with TAOK2-related conditions. ClinVar contains an entry for this variant (Variation ID: 1510512). An algorithm developed to predict the effect of missense changes on protein structure and function outputs the following: PolyPhen-2: "Benign". The threonine amino acid residue is found in multiple mammalian species, which suggests that this missense change does not adversely affect protein function. In summary, the available evidence is currently insufficient to determine the role of this variant in disease. Therefore, it has been classified as a Variant of Uncertain Significance.

Ambry Genetics
Classification: Uncertain significance. Last evaluated: 2025-09-22. Review status: criteria provided, single submitter. Criteria: Ambry Variant Classification Scheme 2023. Collection method: clinical testing. Allele origin: germline.

NM_016151.4(TAOK2):c.3442G>A (p.Ala1148Thr)

Gene: TAOK2 (TAO kinase 2; plus strand). Cytogenetic location: 16p11.2.
Variant type: single nucleotide variant.
Coding change: c.3442G>A on transcript NM_016151.4 (MANE Select); coding-DNA position 3442, G replaced by A.
Protein change: p.Ala1148Thr; replaces alanine 1148 with threonine.
Molecular consequence: missense variant. On other transcripts: intron variant (1).
Genome position (GRCh38, 1-based): chr16:29,987,714, G>A. VCF-style: chr16-29987714-G-A. GRCh37 (hg19) VCF-style: chr16-29999035-G-A.
Other names: c.3103G>A, p.Ala1035Thr (NM_001252043.2); c.2232+1210G>A (NM_004783.4); c.3442G>A (NM_016151.2); short protein forms A1148T, A1035T.
Identifiers: ClinVar variation 1510512 (VCV001510512.7), dbSNP rs781049167, ClinGen allele CA7998574.
Genomic context (GRCh38, chr16:29,987,714, plus strand): 5'-CCCGTCCCTGGGCCCCGGCGGCGTAATCCCCGCACCACCCAACACCCATTAGCTCTGTTG[G>A]CAAGGGTCTGGGTCCTGTGCAAGGGCTGGAACTGGCGTCTGGCACGGGCCAGCCAGGGTT-3'
Protein context (NP_057235.2, residues 1138-1158): RTTQHPLALL[Ala1148Thr]RVWVLCKGWN